The following is an entry in ClinVar:

ClinVar aggregate classification (germline): Uncertain significance (1 of 4 stars; one submission).

Submission:

GeneDx
Classification: Uncertain significance. Last evaluated: 2024-06-30. Review status: criteria provided, single submitter. Criteria: GeneDx Variant Classification Process June 2021. Collection method: clinical testing. Allele origin: germline. Affected: yes.
Comment: Not observed at significant frequency in large population cohorts (gnomAD); In silico analysis supports that this missense variant has a deleterious effect on protein structure/function; Has not been previously published as pathogenic or benign to our knowledge

NM_020987.5(ANK3):c.12368G>C (p.Arg4123Pro)

Gene: ANK3 (ankyrin 3; minus strand). Cytogenetic location: 10q21.2.
Variant type: single nucleotide variant.
Coding change: c.12368G>C on transcript NM_020987.5 (MANE Select); coding-DNA position 12368, G replaced by C.
Protein change: p.Arg4123Pro; replaces arginine 4123 with proline.
Molecular consequence: missense variant.
Genome position (GRCh38, 1-based): chr10:60,064,240, C>G on the plus strand (G>C on the coding strand, the complement: ANK3 is on the minus strand). VCF-style: chr10-60064240-C-G. GRCh37 (hg19) VCF-style: chr10-61823998-C-G.
Other names: c.1931G>C, p.Arg644Pro (NM_001149.4); c.4511G>C, p.Arg1504Pro (NM_001204403.2); c.4532G>C, p.Arg1511Pro (NM_001204404.2); c.4529G>C, p.Arg1510Pro (NM_001320874.2); short protein forms R1510P, R1511P, R644P, R1504P, R4123P.
Identifiers: ClinVar variation 3393630 (VCV003393630.1).